The following is an entry in ClinVar:

ClinVar aggregate classification (germline): Uncertain significance (1 of 4 stars; one submission).

Submission:

Labcorp Genetics (formerly Invitae), Labcorp
Classification: Uncertain significance. Last evaluated: 2022-07-19. Review status: criteria provided, single submitter. Criteria: Invitae Variant Classification Sherloc (09022015). Collection method: clinical testing. Allele origin: germline.
Comment: In summary, the available evidence is currently insufficient to determine the role of this variant in disease. Therefore, it has been classified as a Variant of Uncertain Significance. Experimental studies and prediction algorithms are not available or were not evaluated, and the functional significance of this variant is currently unknown. This variant has not been reported in the literature in individuals affected with SETD5-related conditions. This variant is not present in population databases (gnomAD no frequency). This sequence change creates a premature translational stop signal (p.Leu1369Glufs*10) in the SETD5 gene. While this is not anticipated to result in nonsense mediated decay, it is expected to disrupt the last 74 amino acid(s) of the SETD5 protein.

NM_001080517.3(SETD5):c.4105_4106del (p.Leu1369fs)

Gene: SETD5 (SET domain containing 5; plus strand). Cytogenetic location: 3p25.3.
Variant type: Microsatellite.
Coding change: c.4105_4106del on transcript NM_001080517.3 (MANE Select); coding-DNA positions 4105 to 4106, 2 bases deleted (CT; older notation c.4105_4106delCT).
Protein change: p.Leu1369fs; shifts the reading frame from leucine 1369.
Molecular consequence: frameshift variant.
Genome position (GRCh38, 1-based): chr3:9,475,867-9,475,868, CT deleted; deleting any 2 consecutive bases within chr3:9,475,865-9,475,868 gives the same sequence; the c. name uses the placement nearest the transcript's 3' end. VCF-style (leftmost placement, unchanged base first): chr3-9475864-ACT-A. GRCh37 (hg19) VCF-style: chr3-9517548-ACT-A.
Other names: c.3811_3812del, p.Leu1271fs (NM_001292043.2, NM_001349451.2); short protein forms L1369fs, L1271fs.
Identifiers: ClinVar variation 1397054 (VCV001397054.6), dbSNP rs2125632068, ClinGen allele CA2580614131.